The following is an entry in ClinVar:

ClinVar aggregate classification (germline): Uncertain significance (1 of 4 stars; one submission).

Allele frequency attached by ClinVar (database versions not stated): gnomAD 0.00001; ExAC 0.00002; gnomAD exomes 0.00002; TOPMed 0.00003.
gnomAD v4.1: 24 of 1,613,490 alleles (0.0015%); highest among the groups gnomAD compares: Non-Finnish European, 0.002%; no homozygotes.

Submission:

Labcorp Genetics (formerly Invitae), Labcorp
Classification: Uncertain significance. Last evaluated: 2023-06-18. Review status: criteria provided, single submitter. Criteria: Invitae Variant Classification Sherloc (09022015). Collection method: clinical testing. Allele origin: germline.
Comment: This variant is present in population databases (rs745836963, gnomAD 0.003%). In summary, the available evidence is currently insufficient to determine the role of this variant in disease. Therefore, it has been classified as a Variant of Uncertain Significance. Algorithms developed to predict the effect of missense changes on protein structure and function output the following: SIFT: "Not Available"; PolyPhen-2: "Benign"; Align-GVGD: "Not Available". The histidine amino acid residue is found in multiple mammalian species, which suggests that this missense change does not adversely affect protein function. ClinVar contains an entry for this variant (Variation ID: 1988322). This variant has not been reported in the literature in individuals affected with MICAL1-related conditions. This sequence change replaces glutamine, which is neutral and polar, with histidine, which is basic and polar, at codon 372 of the MICAL1 protein (p.Gln372His).

NM_022765.4(MICAL1):c.1059G>C (p.Gln353His)

Gene: MICAL1 (microtubule associated monooxygenase, calponin and LIM domain containing 1; minus strand). Cytogenetic location: 6q21.
Variant type: single nucleotide variant.
Coding change: c.1059G>C on transcript NM_022765.4 (MANE Select); coding-DNA position 1059, G replaced by C.
Protein change: p.Gln353His; replaces glutamine 353 with histidine.
Molecular consequence: missense variant. On other transcripts: intron variant (1).
Genome position (GRCh38, 1-based): chr6:109,450,432, C>G on the plus strand (G>C on the coding strand, the complement: MICAL1 is on the minus strand). VCF-style: chr6-109450432-C-G. GRCh37 (hg19) VCF-style: chr6-109771635-C-G.
Other names: c.1116G>C, p.Gln372His (NM_001286613.2); c.934-347G>C (NM_001159291.2); short protein forms Q353H, Q372H.
Identifiers: ClinVar variation 1988322 (VCV001988322.4), dbSNP rs745836963, ClinGen allele CA3953514.